The following is an entry in ClinVar:

ClinVar aggregate classification (germline): Uncertain significance. Review status: criteria provided, multiple submitters, no conflicts (2 of 4 stars). 4 submissions from 4 submitters: Uncertain significance (4). Last evaluated 2025-06-24.

Conditions:
MYO5B-related disorder. Also called: MYO5B-related condition.
Inborn genetic diseases. Identifiers: MedGen C0950123, MeSH D030342.
Congenital microvillous atrophy (DIAR2). Also called: Diarrhea 2 with microvillus atrophy, with or without cholestasis; Microvillus inclusion disease; CONGENITAL FAMILIAL PROTRACTED DIARRHEA WITH ENTEROCYTE BRUSH-BORDER ABNORMALITIES; DAVIDSON DISEASE; MICROVILLUS ATROPHY, CONGENITAL. Identifiers: Orphanet 2290, MedGen C0341306, MONDO:0009635, OMIM 251850.

Allele frequency attached by ClinVar (database versions not stated): ExAC 0.00004; gnomAD exomes 0.00006 and 0.00009; gnomAD 0.00009 and 0.00010; TOPMed 0.00011; ESP Exome Variant Server 0.00017.

Submissions (4):

PreventionGenetics, part of Exact Sciences
Classification: Uncertain significance for MYO5B-related condition. Last evaluated: 2025-06-24. Review status: criteria provided, single submitter. Criteria: ACMG Guidelines, 2015. Collection method: clinical testing. Allele origin: germline.
Comment: The MYO5B c.5449A>G variant is predicted to result in the amino acid substitution p.Met1817Val. To our knowledge, this variant has not been reported in the literature. This variant is reported in 0.012% of alleles in individuals of European (Non-Finnish) descent in gnomAD. At this time, the clinical significance of this variant is uncertain due to the absence of conclusive functional and genetic evidence.

Ambry Genetics
Classification: Uncertain significance for Inborn genetic diseases. Last evaluated: 2025-02-12. Review status: criteria provided, single submitter. Criteria: Ambry Variant Classification Scheme 2023. Collection method: clinical testing. Allele origin: germline.

Labcorp Genetics (formerly Invitae), Labcorp
Classification: Uncertain significance. Last evaluated: 2022-05-13. Review status: criteria provided, single submitter. Criteria: Invitae Variant Classification Sherloc (09022015). Collection method: clinical testing. Allele origin: germline.
Comment: This sequence change replaces methionine, which is neutral and non-polar, with valine, which is neutral and non-polar, at codon 1817 of the MYO5B protein (p.Met1817Val). The frequency data for this variant in the population databases is considered unreliable, as metrics indicate poor data quality at this position in the gnomAD database. This variant has not been reported in the literature in individuals affected with MYO5B-related conditions. ClinVar contains an entry for this variant (Variation ID: 892382). Algorithms developed to predict the effect of missense changes on protein structure and function output the following: SIFT: "Tolerated"; PolyPhen-2: "Benign"; Align-GVGD: "Class C0". The valine amino acid residue is found in multiple mammalian species, which suggests that this missense change does not adversely affect protein function. In summary, the available evidence is currently insufficient to determine the role of this variant in disease. Therefore, it has been classified as a Variant of Uncertain Significance.

Illumina Laboratory Services, Illumina
Classification: Uncertain significance for Congenital microvillous atrophy. Last evaluated: 2018-01-12. Review status: criteria provided, single submitter. Criteria: ICSL Variant Classification Criteria 13 December 2019. Collection method: clinical testing. Allele origin: germline.

NM_001080467.3(MYO5B):c.5449A>G (p.Met1817Val)

Genes: MYO5B (myosin VB; minus strand), SNHG22 (small nucleolar RNA host gene 22; plus strand). Cytogenetic location: 18q21.1.
Variant type: single nucleotide variant.
Coding change: c.5449A>G on transcript NM_001080467.3 (MANE Select); coding-DNA position 5449, A replaced by G.
Protein change: p.Met1817Val; replaces methionine 1817 with valine.
Molecular consequence: missense variant.
Genome position (GRCh38, 1-based): chr18:49,826,569, T>C on the plus strand (A>G on the coding strand, the complement: MYO5B is on the minus strand). VCF-style: chr18-49826569-T-C. GRCh37 (hg19) VCF-style: chr18-47352939-T-C.
Other names: short protein forms M1817V.
Identifiers: ClinVar variation 892382 (VCV000892382.11), dbSNP rs200172993, ClinGen allele CA8960029.